The following is an entry in ClinVar:

ClinVar aggregate classification (germline): Uncertain significance (1 of 4 stars; one submission).

Conditions:
Zellweger spectrum disorders (ZS). Also called: Zellweger Spectrum Disorder; Zellweger Spectrum; Zellweger syndrome; Zellweger Spectrum Disorder (ZSD). Identifiers: Orphanet 912, MedGen C0043459, MONDO:0019609.

Allele frequency attached by ClinVar (database versions not stated): gnomAD 0.00001; gnomAD exomes 0.00001; TOPMed 0.00001; ExAC 0.00002; ESP Exome Variant Server 0.00008.
gnomAD v4.1: 14 of 1,609,016 alleles (0.00087%); highest among the groups gnomAD compares: African/African-American, 0.0027%; no homozygotes.

Submission:

Labcorp Genetics (formerly Invitae), Labcorp
Classification: Uncertain significance for Zellweger spectrum disorders. Last evaluated: 2022-07-22. Review status: criteria provided, single submitter. Criteria: Invitae Variant Classification Sherloc (09022015). Collection method: clinical testing. Allele origin: germline.
Comment: This sequence change falls in intron 22 of the PEX1 gene. It does not directly change the encoded amino acid sequence of the PEX1 protein. This variant is present in population databases (rs367814599, gnomAD 0.01%). This variant has not been reported in the literature in individuals affected with PEX1-related conditions. ClinVar contains an entry for this variant (Variation ID: 1479841). Algorithms developed to predict the effect of sequence changes on RNA splicing suggest that this variant may create or strengthen a splice site. In summary, the available evidence is currently insufficient to determine the role of this variant in disease. Therefore, it has been classified as a Variant of Uncertain Significance.

NM_000466.3(PEX1):c.3637-19A>G

Genes: GATAD1 (GATA zinc finger domain containing 1; plus strand), PEX1 (peroxisomal biogenesis factor 1; minus strand). Cytogenetic location: 7q21.2.
Variant type: single nucleotide variant.
Coding change: c.3637-19A>G on transcript NM_000466.3 (MANE Select); 19 bases into the intron before coding-DNA position 3637, A replaced by G.
Molecular consequence: intron variant.
Genome position (GRCh38, 1-based): chr7:92,489,442, T>C on the plus strand (A>G on the coding strand, the complement: PEX1 is on the minus strand). VCF-style: chr7-92489442-T-C. GRCh37 (hg19) VCF-style: chr7-92118756-T-C.
Other names: c.3466-19A>G (NM_001282677.2); c.3013-19A>G (NM_001282678.2).
Identifiers: ClinVar variation 1479841 (VCV001479841.5), dbSNP rs367814599, ClinGen allele CA4340770.